The following is an entry in ClinVar:

NM_001393769.1(MED12L):c.74A>G (p.Tyr25Cys)

Gene: MED12L (mediator complex subunit 12L; plus strand). Cytogenetic location: 3q25.1.
Variant type: single nucleotide variant.
Coding change: c.74A>G on transcript NM_001393769.1 (MANE Select); coding-DNA position 74, A replaced by G.
Protein change: p.Tyr25Cys; replaces tyrosine 25 with cysteine.
Molecular consequence: missense variant.
Genome position (GRCh38, 1-based): chr3:151,087,000, A>G. VCF-style: chr3-151087000-A-G. GRCh37 (hg19) VCF-style: chr3-150804787-A-G.
Other names: c.74A>G, p.Tyr25Cys (NM_053002.6); short protein forms Y25C.
Identifiers: ClinVar variation 2578134 (VCV002578134.1), dbSNP rs2529225458, ClinGen allele CA355016489.

ClinVar aggregate classification (germline): Uncertain significance (1 of 4 stars; one submission).

Submission:

GeneDx
Classification: Uncertain significance. Last evaluated: 2023-02-28. Review status: criteria provided, single submitter. Criteria: GeneDx Variant Classification Process June 2021. Collection method: clinical testing. Allele origin: germline. Affected: yes.
Comment: Not observed at significant frequency in large population cohorts (gnomAD); In silico analysis supports that this missense variant has a deleterious effect on protein structure/function; Has not been previously published as pathogenic or benign to our knowledge